The following is an entry in ClinVar:

ClinVar aggregate classification (germline): Uncertain significance (1 of 4 stars; one submission).

Submission:

Labcorp Genetics (formerly Invitae), Labcorp
Classification: Uncertain significance. Last evaluated: 2023-04-29. Review status: criteria provided, single submitter. Criteria: Invitae Variant Classification Sherloc (09022015). Collection method: clinical testing. Allele origin: germline.
Comment: Advanced modeling of protein sequence and biophysical properties (such as structural, functional, and spatial information, amino acid conservation, physicochemical variation, residue mobility, and thermodynamic stability) has been performed at Invitae for this missense variant, however the output from this modeling did not meet the statistical confidence thresholds required to predict the impact of this variant on SAMD9 protein function. This variant has not been reported in the literature in individuals affected with SAMD9-related conditions. This variant is not present in population databases (gnomAD no frequency). This sequence change replaces lysine, which is basic and polar, with glutamic acid, which is acidic and polar, at codon 688 of the SAMD9 protein (p.Lys688Glu). In summary, the available evidence is currently insufficient to determine the role of this variant in disease. Therefore, it has been classified as a Variant of Uncertain Significance.

NM_017654.4(SAMD9):c.2062A>G (p.Lys688Glu)

Gene: SAMD9 (sterile alpha motif domain containing 9; minus strand). Cytogenetic location: 7q21.2.
Variant type: single nucleotide variant.
Coding change: c.2062A>G on transcript NM_017654.4 (MANE Select); coding-DNA position 2062, A replaced by G.
Protein change: p.Lys688Glu; replaces lysine 688 with glutamic acid.
Molecular consequence: missense variant.
Genome position (GRCh38, 1-based): chr7:93,104,036, T>C on the plus strand (A>G on the coding strand, the complement: SAMD9 is on the minus strand). VCF-style: chr7-93104036-T-C. GRCh37 (hg19) VCF-style: chr7-92733349-T-C.
Other names: c.2062A>G, p.Lys688Glu (NM_001193307.2); short protein forms K688E.
Identifiers: ClinVar variation 2860563 (VCV002860563.3), dbSNP rs778499845, ClinGen allele CA368193452.